The following is an entry in ClinVar:

ClinVar aggregate classification (germline): Uncertain significance (1 of 4 stars; one submission).

Conditions:
RASopathy. Also called: Noonan spectrum disorder; rasopathies. Identifiers: Orphanet 536391, MedGen C5555857, MONDO:0021060.

Submission:

Labcorp Genetics (formerly Invitae), Labcorp
Classification: Uncertain significance for RASopathy. Last evaluated: 2025-11-06. Review status: criteria provided, single submitter. Criteria: Invitae Variant Classification Sherloc (09022015). Collection method: clinical testing. Allele origin: germline.
Comment: This sequence change replaces glycine, which is neutral and non-polar, with cysteine, which is neutral and slightly polar, at codon 152 of the MAP2K2 protein (p.Gly152Cys). This variant is not present in population databases (gnomAD no frequency). This variant has not been reported in the literature in individuals affected with MAP2K2-related conditions. ClinVar contains an entry for this variant (Variation ID: 2132736). Invitae Evidence Modeling of protein sequence and biophysical properties (such as structural, functional, and spatial information, amino acid conservation, physicochemical variation, residue mobility, and thermodynamic stability) has been performed for this missense variant. However, the output from this modeling did not meet the statistical confidence thresholds required to predict the impact of this variant on MAP2K2 protein function. In summary, the available evidence is currently insufficient to determine the role of this variant in disease. Therefore, it has been classified as a Variant of Uncertain Significance.

NM_030662.4(MAP2K2):c.454G>T (p.Gly152Cys)

Gene: MAP2K2 (mitogen-activated protein kinase kinase 2; minus strand). Cytogenetic location: 19p13.3.
Variant type: single nucleotide variant.
Coding change: c.454G>T on transcript NM_030662.4 (MANE Select); coding-DNA position 454, G replaced by T.
Protein change: p.Gly152Cys; replaces glycine 152 with cysteine.
Molecular consequence: missense variant.
Genome position (GRCh38, 1-based): chr19:4,102,450, C>A on the plus strand (G>T on the coding strand, the complement: MAP2K2 is on the minus strand). VCF-style: chr19-4102450-C-A. GRCh37 (hg19) VCF-style: chr19-4102448-C-A.
Other names: short protein forms G152C.
Identifiers: ClinVar variation 2132736 (VCV002132736.4), dbSNP rs910514546, ClinGen allele CA403390197.
Genomic context (GRCh38, chr19:4,102,450, plus strand): 5'-TCCCCAGGATCTCCTCGGGAATCCTCTTGGCCTCTTTCAGCACCTGGTCCAGGGAGCCGC[C>A]GTCCTAGAGGGCACACAAGGAGTGAGTGCAGGCTCTGCGCAGGTGGCCGGGAAGCCACGG-3'
Protein context (NP_109587.1, residues 142-162): EISICMEHMD[Gly152Cys]GSLDQVLKEA